The following is an entry in ClinVar:

NM_014484.5(MOCS3):c.193C>T (p.Arg65Trp)

Gene: MOCS3 (molybdenum cofactor synthesis 3; plus strand). Cytogenetic location: 20q13.13.
Variant type: single nucleotide variant.
Coding change: c.193C>T on transcript NM_014484.5 (MANE Select); coding-DNA position 193, C replaced by T.
Protein change: p.Arg65Trp; replaces arginine 65 with tryptophan.
Molecular consequence: missense variant.
Genome position (GRCh38, 1-based): chr20:50,959,035, C>T. VCF-style: chr20-50959035-C-T. GRCh37 (hg19) VCF-style: chr20-49575572-C-T.
Other names: short protein forms R65W.
Identifiers: ClinVar variation 3009971 (VCV003009971.3), dbSNP rs1379134127, ClinGen allele CA408982080.
Genomic context (GRCh38, chr20:50,959,035, plus strand): 5'-CCGGTGTCGCCGCTGCCGCCGAAGGCCGCTCTGTCCCGAGATGAGATTCTGCGCTATAGC[C>T]GGCAGCTAGTGCTGCCCGAGCTGGGCGTGCACGGACAGCTGCGCCTGGGGACCGCGTGCG-3'
Protein context (NP_055299.1, residues 55-75): LSRDEILRYS[Arg65Trp]QLVLPELGVH

ClinVar aggregate classification (germline): Uncertain significance (1 of 4 stars; one submission).

Allele frequency attached by ClinVar (database versions not stated): gnomAD exomes below 0.00001.

Submission:

Labcorp Genetics (formerly Invitae), Labcorp
Classification: Uncertain significance. Last evaluated: 2025-01-21. Review status: criteria provided, single submitter. Criteria: Invitae Variant Classification Sherloc (09022015). Collection method: clinical testing. Allele origin: germline.
Comment: This sequence change replaces arginine, which is basic and polar, with tryptophan, which is neutral and slightly polar, at codon 65 of the MOCS3 protein (p.Arg65Trp). This variant is present in population databases (no rsID available, gnomAD 0.002%). This variant has not been reported in the literature in individuals affected with MOCS3-related conditions. ClinVar contains an entry for this variant (Variation ID: 3009971). An algorithm developed to predict the effect of missense changes on protein structure and function (PolyPhen-2) suggests that this variant is likely to be disruptive. In summary, the available evidence is currently insufficient to determine the role of this variant in disease. Therefore, it has been classified as a Variant of Uncertain Significance.